The following is an entry in ClinVar:

ClinVar aggregate classification (germline): Uncertain significance (1 of 4 stars; one submission).

Conditions:
KDM6B-related disorder. Also called: KDM6B-related condition.

Submission:

PreventionGenetics, part of Exact Sciences
Classification: Uncertain significance for KDM6B-related condition. Last evaluated: 2023-06-20. Review status: criteria provided, single submitter. Criteria: ACMG Guidelines, 2015. Collection method: clinical testing. Allele origin: germline.
Comment: The KDM6B c.1567G>A variant is predicted to result in the amino acid substitution p.Glu523Lys. To our knowledge, this variant has not been reported in the literature or in a large population database, indicating this variant is rare. At this time, the clinical significance of this variant is uncertain due to the absence of conclusive functional and genetic evidence.

NM_001348716.2(KDM6B):c.1567G>A (p.Glu523Lys)

Gene: KDM6B (lysine demethylase 6B; plus strand). Cytogenetic location: 17p13.1.
Variant type: single nucleotide variant.
Coding change: c.1567G>A on transcript NM_001348716.2 (MANE Select); coding-DNA position 1567, G replaced by A.
Protein change: p.Glu523Lys; replaces glutamic acid 523 with lysine.
Molecular consequence: missense variant.
Genome position (GRCh38, 1-based): chr17:7,847,855, G>A. VCF-style: chr17-7847855-G-A. GRCh37 (hg19) VCF-style: chr17-7751173-G-A.
Other names: c.1567G>A, p.Glu523Lys (NM_001080424.2); short protein forms E523K.
Identifiers: ClinVar variation 2634643 (VCV002634643.1), dbSNP rs1161439968, ClinGen allele CA397916963.